The following is an entry in ClinVar:

ClinVar aggregate classification (germline): Pathogenic. Review status: criteria provided, multiple submitters, no conflicts (2 of 4 stars). 2 submissions from 2 submitters: Pathogenic (2). Last evaluated 2026-05-11.

Conditions:
Tay-Sachs disease (TSD). Also called: GM2 gangliosidosis, type 1; Hexosaminidase alpha-subunit deficiency (variant B); Sphingolipidosis, Tay-Sachs; HEXA DEFICIENCY; Hexosaminidase A Deficiency; HEXA Disorders. Identifiers: Orphanet 845, MedGen C0039373, MONDO:0010100, OMIM 272800.

Allele frequency attached by ClinVar (database versions not stated): TOPMed below 0.00001; ExAC 0.00001; gnomAD exomes 0.00003; ESP Exome Variant Server 0.00008.
gnomAD v4.1: 49 of 1,585,964 alleles (0.0031%); highest among the groups gnomAD compares: Non-Finnish European, 0.0041%; no homozygotes.

Submissions (2):

Women's Health and Genetics/Laboratory Corporation of America, LabCorp
Classification: Pathogenic for Tay-Sachs disease. Last evaluated: 2026-05-11. Review status: criteria provided, single submitter. Criteria: LabCorp Variant Classification Summary - May 2015. Collection method: clinical testing. Allele origin: germline.
Comment: Variant summary: HEXA c.459+24G>C is located at a position not widely known to affect splicing. Consensus agreement among computation tools predict no significant impact on normal splicing. However, these predictions have yet to be confirmed by functional studies. The variant allele was found at a frequency of 2e-05 in 251306 control chromosomes (gnomAD). c.459+24G>C has been observed in compound heterozygous individuals affected with Tay-Sachs Disease in one family and this variant co-segregated with the disease (Lefter_2020). These data indicate that the variant is likely to be associated with disease. To our knowledge, no experimental evidence demonstrating an impact on protein function has been reported. The following publication have been ascertained in the context of this evaluation (PMID: 33426165). ClinVar contains an entry for this variant (Variation ID: 2199227). Based on the evidence outlined above, the variant was classified as pathogenic.

Labcorp Genetics (formerly Invitae), Labcorp
Classification: Pathogenic for Tay-Sachs disease. Last evaluated: 2022-11-06. Review status: criteria provided, single submitter. Criteria: Invitae Variant Classification Sherloc (09022015). Collection method: clinical testing. Allele origin: germline.
Comment: Algorithms developed to predict the effect of sequence changes on RNA splicing suggest that this variant is not likely to affect RNA splicing. This sequence change falls in intron 4 of the HEXA gene. It does not directly change the encoded amino acid sequence of the HEXA protein. This variant is present in population databases (rs377234974, gnomAD 0.004%). This variant has been observed in individual(s) with late-onset Tay-Sachs disease (PMID: 33426165). In at least one individual the data is consistent with being in trans (on the opposite chromosome) from a pathogenic variant. It has also been observed to segregate with disease in related individuals. For these reasons, this variant has been classified as Pathogenic.

Literature cited by the submitters: PubMed 33426165 (cited by Women's Health and Genetics/Laboratory Corporation of America, LabCorp and Labcorp Genetics (formerly Invitae), Labcorp).

NM_000520.6(HEXA):c.459+24G>C

Gene: HEXA (hexosaminidase subunit alpha; minus strand). Cytogenetic location: 15q23.
Variant type: single nucleotide variant.
Coding change: c.459+24G>C on transcript NM_000520.6 (MANE Select); 24 bases into the intron after coding-DNA position 459, G replaced by C.
Molecular consequence: intron variant.
Genome position (GRCh38, 1-based): chr15:72,353,667, C>G on the plus strand (G>C on the coding strand, the complement: HEXA is on the minus strand). VCF-style: chr15-72353667-C-G. GRCh37 (hg19) VCF-style: chr15-72646008-C-G.
Other names: c.492+24G>C (NM_001318825.2).
Identifiers: ClinVar variation 2199227 (VCV002199227.5), dbSNP rs377234974, ClinGen allele CA7645003.
Genomic context (GRCh38, chr15:72,353,667, plus strand): 5'-AAAACAAGATTTTTCTAGGATTCTCAATATTGGGATCCAACCCCAGAGATGAAAAAGGAG[C>G]CCTTTTTGAGGGTCCACACTTACTGTGCCCTCAGCAGATTTCCAAACAAGCTGGCTAAAA-3'